The following is an entry in ClinVar:

NM_016180.5(SLC45A2):c.878A>G (p.His293Arg)

Gene: SLC45A2 (solute carrier family 45 member 2; minus strand). Cytogenetic location: 5p13.2.
Variant type: single nucleotide variant.
Coding change: c.878A>G on transcript NM_016180.5 (MANE Select); coding-DNA position 878, A replaced by G.
Protein change: p.His293Arg; replaces histidine 293 with arginine.
Molecular consequence: missense variant. On other transcripts: intron variant (1).
Genome position (GRCh38, 1-based): chr5:33,963,701, T>C on the plus strand (A>G on the coding strand, the complement: SLC45A2 is on the minus strand). VCF-style: chr5-33963701-T-C. GRCh37 (hg19) VCF-style: chr5-33963806-T-C.
Other names: c.878A>G, p.His293Arg (NM_001012509.4); c.563-9197A>G (NM_001297417.4); c.878A>G (NM_016180.3); short protein forms H293R.
Identifiers: ClinVar variation 1374109 (VCV001374109.6), dbSNP rs2111961093, ClinGen allele CA359392879.

ClinVar aggregate classification (germline): Uncertain significance. Review status: criteria provided, multiple submitters, no conflicts (2 of 4 stars). 2 submissions from 2 submitters: Uncertain significance (2). Last evaluated 2025-11-13.

Conditions:
Inborn genetic diseases. Identifiers: MedGen C0950123, MeSH D030342.

Submissions (2):

Ambry Genetics
Classification: Uncertain significance for Inborn genetic diseases. Last evaluated: 2025-11-13. Review status: criteria provided, single submitter. Criteria: Ambry Variant Classification Scheme 2023. Collection method: clinical testing. Allele origin: germline.

Labcorp Genetics (formerly Invitae), Labcorp
Classification: Uncertain significance. Last evaluated: 2021-08-20. Review status: criteria provided, single submitter. Criteria: Invitae Variant Classification Sherloc (09022015). Collection method: clinical testing. Allele origin: germline.
Comment: This sequence change replaces histidine with arginine at codon 293 of the SLC45A2 protein (p.His293Arg). The histidine residue is weakly conserved and there is a small physicochemical difference between histidine and arginine. This variant is not present in population databases (ExAC no frequency). This variant has not been reported in the literature in individuals affected with SLC45A2-related conditions. Algorithms developed to predict the effect of missense changes on protein structure and function (SIFT, PolyPhen-2, Align-GVGD) all suggest that this variant is likely to be tolerated. In summary, the available evidence is currently insufficient to determine the role of this variant in disease. Therefore, it has been classified as a Variant of Uncertain Significance.